The following is an entry in ClinVar:

NM_000709.4(BCKDHA):c.1224C>T (p.Leu408=)

Gene: BCKDHA (branched chain keto acid dehydrogenase E1 subunit alpha; plus strand). Cytogenetic location: 19q13.2.
Variant type: single nucleotide variant.
Coding change: c.1224C>T on transcript NM_000709.4 (MANE Select); coding-DNA position 1224, C replaced by T.
Protein change: p.Leu408=; no amino-acid change (leucine 408 retained).
Molecular consequence: synonymous variant.
Genome position (GRCh38, 1-based): chr19:41,424,494, C>T. VCF-style: chr19-41424494-C-T. GRCh37 (hg19) VCF-style: chr19-41930399-C-T.
Other names: c.1224C>T (NM_000709.3); c.1221C>T, p.Leu407= (NM_001164783.2).
Identifiers: ClinVar variation 1084513 (VCV001084513.11), dbSNP rs368383404, ClinGen allele CA9461408.

ClinVar aggregate classification (germline): Likely benign. Review status: criteria provided, single submitter (1 of 4 stars). 2 submissions from 2 submitters: Likely benign (1). 1 of the submissions does not count toward it. Last evaluated 2025-10-08.

Conditions:
BCKDHA-related disorder. Also called: BCKDHA-related condition.
Maple syrup urine disease (MSUD). Identifiers: Orphanet 511, MedGen C0024776, MeSH D008375, MONDO:0009563. Disease mechanism: loss of function.

Allele frequency attached by ClinVar (database versions not stated): TOPMed below 0.00001; gnomAD 0.00001; gnomAD exomes 0.00001 and 0.00002; ExAC 0.00004; ESP Exome Variant Server 0.00023.
gnomAD v4.1: 28 of 1,614,066 alleles (0.0017%); highest among the groups gnomAD compares: Non-Finnish European, 0.0024%; no homozygotes.

Submissions (2):

Labcorp Genetics (formerly Invitae), Labcorp
Classification: Likely benign for Maple syrup urine disease. Last evaluated: 2025-10-08. Review status: criteria provided, single submitter. Criteria: Invitae Variant Classification Sherloc (09022015). Collection method: clinical testing. Allele origin: germline.

PreventionGenetics, part of Exact Sciences
Classification: Likely benign for BCKDHA-related condition. Last evaluated: 2022-03-18. Review status: no assertion criteria provided. Collection method: clinical testing. Allele origin: germline. Not counted in ClinVar's aggregate classification.
Comment: This variant is classified as likely benign based on ACMG/AMP sequence variant interpretation guidelines (Richards et al. 2015 PMID: 25741868, with internal and published modifications).